The following is an entry in ClinVar:

ClinVar aggregate classification (germline): Uncertain significance (1 of 4 stars; one submission).

Allele frequency attached by ClinVar (database versions not stated): gnomAD exomes below 0.00001; gnomAD 0.00001; TOPMed 0.00003; ESP Exome Variant Server 0.00008.
gnomAD v4.1: 4 of 1,614,074 alleles (0.00025%); highest among the groups gnomAD compares: African/African-American, 0.0053%; no homozygotes.

Submission:

Labcorp Genetics (formerly Invitae), Labcorp
Classification: Uncertain significance. Last evaluated: 2022-07-19. Review status: criteria provided, single submitter. Criteria: Invitae Variant Classification Sherloc (09022015). Collection method: clinical testing. Allele origin: germline.
Comment: This sequence change replaces alanine, which is neutral and non-polar, with serine, which is neutral and polar, at codon 945 of the ABCA4 protein (p.Ala945Ser). This variant is not present in population databases (gnomAD no frequency). This variant has not been reported in the literature in individuals affected with ABCA4-related conditions. ClinVar contains an entry for this variant (Variation ID: 1515079). Advanced modeling of protein sequence and biophysical properties (such as structural, functional, and spatial information, amino acid conservation, physicochemical variation, residue mobility, and thermodynamic stability) performed at Invitae indicates that this missense variant is expected to disrupt ABCA4 protein function. In summary, the available evidence is currently insufficient to determine the role of this variant in disease. Therefore, it has been classified as a Variant of Uncertain Significance.

NM_000350.3(ABCA4):c.2833G>T (p.Ala945Ser)

Gene: ABCA4 (ATP binding cassette subfamily A member 4; minus strand). Cytogenetic location: 1p22.1.
Variant type: single nucleotide variant.
Coding change: c.2833G>T on transcript NM_000350.3 (MANE Select); coding-DNA position 2833, G replaced by T.
Protein change: p.Ala945Ser; replaces alanine 945 with serine.
Molecular consequence: missense variant.
Genome position (GRCh38, 1-based): chr1:94,047,004, C>A on the plus strand (G>T on the coding strand, the complement: ABCA4 is on the minus strand). VCF-style: chr1-94047004-C-A. GRCh37 (hg19) VCF-style: chr1-94512560-C-A.
Other names: c.2611G>T, p.Ala871Ser (NM_001425324.1); short protein forms A945S, A871S.
Identifiers: ClinVar variation 1515079 (VCV001515079.5), dbSNP rs150616268, ClinGen allele CA26840843.